The following is an entry in ClinVar:

NM_182643.3(DLC1):c.3417A>T (p.Glu1139Asp)

Gene: DLC1 (DLC1 Rho GTPase activating protein; minus strand). Cytogenetic location: 8p22.
Variant type: single nucleotide variant.
Coding change: c.3417A>T on transcript NM_182643.3 (MANE Select); coding-DNA position 3417, A replaced by T.
Protein change: p.Glu1139Asp; replaces glutamic acid 1139 with aspartic acid.
Molecular consequence: missense variant.
Genome position (GRCh38, 1-based): chr8:13,094,868, T>A on the plus strand (A>T on the coding strand, the complement: DLC1 is on the minus strand). VCF-style: chr8-13094868-T-A. GRCh37 (hg19) VCF-style: chr8-12952377-T-A.
Other names: c.1884A>T, p.Glu628Asp (NM_001164271.2, NM_001348082.2, NM_001348083.1 and 6 more transcripts); c.2208A>T, p.Glu736Asp (NM_001316668.2, NM_001413129.1); c.3417A>T, p.Glu1139Asp (NM_001348081.2, NM_001413124.1); c.2106A>T, p.Glu702Asp (NM_001413139.1, NM_006094.5, NM_001413135.1 and 1 more transcripts); c.2241A>T, p.Glu747Asp (NM_001413140.1); c.2199A>T, p.Glu733Asp (NM_001413130.1); c.1857A>T, p.Glu619Asp (NM_001413131.1, NM_001413137.1); c.2343A>T, p.Glu781Asp (NM_001413132.1); short protein forms E1139D, E628D, E747D, E781D, E619D, E702D, E736D, E733D.
Identifiers: ClinVar variation 2119579 (VCV002119579.4), dbSNP rs2537012583, ClinGen allele CA370342991.

ClinVar aggregate classification (germline): Uncertain significance (1 of 4 stars; one submission).

Allele frequency attached by ClinVar (database versions not stated): gnomAD exomes 0.00001.
gnomAD v4.1: 3 of 1,614,240 alleles (0.00019%); highest among the groups gnomAD compares: Middle Eastern, 0.049%; no homozygotes.

Submission:

Labcorp Genetics (formerly Invitae), Labcorp
Classification: Uncertain significance. Last evaluated: 2022-03-29. Review status: criteria provided, single submitter. Criteria: Invitae Variant Classification Sherloc (09022015). Collection method: clinical testing. Allele origin: germline.
Comment: Algorithms developed to predict the effect of missense changes on protein structure and function output the following: SIFT: "Deleterious"; PolyPhen-2: "Benign"; Align-GVGD: "Class C0". The aspartic acid amino acid residue is found in multiple mammalian species, which suggests that this missense change does not adversely affect protein function. This variant has not been reported in the literature in individuals affected with DLC1-related conditions. This variant is not present in population databases (gnomAD no frequency). This sequence change replaces glutamic acid, which is acidic and polar, with aspartic acid, which is acidic and polar, at codon 1139 of the DLC1 protein (p.Glu1139Asp). In summary, the available evidence is currently insufficient to determine the role of this variant in disease. Therefore, it has been classified as a Variant of Uncertain Significance.